The following is an entry in ClinVar:

ClinVar aggregate classification (germline): Likely benign (1 of 4 stars; one submission).

gnomAD v4.1: 36 of 1,613,984 alleles (0.0022%); highest among the groups gnomAD compares: Non-Finnish European, 0.0028%; no homozygotes.

Submission:

CeGaT Center for Human Genetics Tuebingen
Classification: Likely benign. Last evaluated: 2026-08-01. Review status: criteria provided, single submitter. Criteria: CeGaT Center For Human Genetics Tuebingen Variant Classification Criteria Version 2. Collection method: clinical testing. Allele origin: germline. Affected: yes. Observed: 1 variant allele.
Comment: BICC1: BP4

NM_001080512.3(BICC1):c.1266T>C (p.Val422=)

Gene: BICC1 (BicC family RNA binding protein 1; plus strand). Cytogenetic location: 10q21.1.
Variant type: single nucleotide variant.
Coding change: c.1266T>C on transcript NM_001080512.3 (MANE Select); coding-DNA position 1266, T replaced by C.
Protein change: p.Val422=; no amino-acid change (valine 422 retained).
Molecular consequence: synonymous variant.
Genome position (GRCh38, 1-based): chr10:58,796,426, T>C. VCF-style: chr10-58796426-T-C. GRCh37 (hg19) VCF-style: chr10-60556186-T-C.
Identifiers: ClinVar variation 5039752 (VCV005039752.1).